The following is an entry in ClinVar:

NM_001005388.3(NFASC):c.3133G>A (p.Asp1045Asn)

Gene: NFASC (neurofascin; plus strand). Cytogenetic location: 1q32.1.
Variant type: single nucleotide variant.
Coding change: c.3133G>A on transcript NM_001005388.3 (MANE Select); coding-DNA position 3133, G replaced by A.
Protein change: p.Asp1045Asn; replaces aspartic acid 1045 with asparagine.
Molecular consequence: missense variant. On other transcripts: intron variant (4).
Genome position (GRCh38, 1-based): chr1:205,001,283, G>A. VCF-style: chr1-205001283-G-A. GRCh37 (hg19) VCF-style: chr1-204970411-G-A.
Other names: c.3454G>A, p.Asp1152Asn (NM_001378329.1); c.3092-8274G>A (NM_001160332.2); c.3077-8274G>A (NM_015090.4); c.2756-8274G>A (NM_001365986.1); c.3137-8274G>A (NM_001160331.2); short protein forms D1045N, D1152N.
Identifiers: ClinVar variation 1029991 (VCV001029991.1), dbSNP rs1161399786, ClinGen allele CA344383362.
Genomic context (GRCh38, chr1:205,001,283, plus strand): 5'-GCCAACATCACCTGGAAGCACAATTTCGGGCCCGGAACTGACTTTGTGGTTGAGTACATC[G>A]ACAGTAAGCATTGCTGTGCGGGGTGGTGGTGGCGGCAGCGGCGTCGGCAGCAGCGGCGGG-3'
Protein context (NP_001005388.2, residues 1035-1055): PGTDFVVEYI[Asp1045Asn]SNHTKKTVPV

ClinVar aggregate classification (germline): Uncertain significance (1 of 4 stars; one submission).

Conditions:
Neurodevelopmental disorder with central and peripheral motor dysfunction. Identifiers: MedGen C5193049, MONDO:0032698, OMIM 618356.

Allele frequency attached by ClinVar (database versions not stated): gnomAD below 0.00001 and 0.00001; gnomAD exomes below 0.00001 and 0.00001.
gnomAD v4.1: 15 of 1,604,524 alleles (0.00093%); highest among the groups gnomAD compares: South Asian, 0.0022%; no homozygotes.

Submission:

Baylor Genetics
Classification: Uncertain significance for Neurodevelopmental disorder with central and peripheral motor dysfunction. Last evaluated: 2020-06-09. Review status: criteria provided, single submitter. Criteria: ACMG Guidelines, 2015. Collection method: clinical testing. Allele origin: unknown. Affected: yes.
Comment: This variant was determined to be of uncertain significance according to ACMG Guidelines, 2015 [PMID:25741868].